The following is an entry in ClinVar:

ClinVar aggregate classification (germline): Likely benign. Review status: criteria provided, multiple submitters, no conflicts (2 of 4 stars). 2 submissions from 2 submitters: Likely benign (2). Last evaluated 2025-02-04.

Allele frequency attached by ClinVar (database versions not stated): TOPMed below 0.00001; gnomAD exomes 0.00001; ExAC 0.00002.
gnomAD v4.1: 17 of 1,613,428 alleles (0.0011%); highest among the groups gnomAD compares: Non-Finnish European, 0.0012%; no homozygotes.

Submissions (2):

Labcorp Genetics (formerly Invitae), Labcorp
Classification: Likely benign. Last evaluated: 2025-02-04. Review status: criteria provided, single submitter. Criteria: Invitae Variant Classification Sherloc (09022015). Collection method: clinical testing. Allele origin: germline.

CeGaT Center for Human Genetics Tuebingen
Classification: Likely benign. Last evaluated: 2022-05-01. Review status: criteria provided, single submitter. Criteria: CeGaT Center For Human Genetics Tuebingen Variant Classification Criteria Version 2. Collection method: clinical testing. Allele origin: germline. Affected: yes. Observed: 1 variant allele.
Comment: ANK3: BP4

NM_020987.5(ANK3):c.2086-7T>G

Gene: ANK3 (ankyrin 3; minus strand). Cytogenetic location: 10q21.2.
Variant type: single nucleotide variant.
Coding change: c.2086-7T>G on transcript NM_020987.5 (MANE Select); 7 bases into the intron before coding-DNA position 2086, T replaced by G.
Molecular consequence: intron variant.
Genome position (GRCh38, 1-based): chr10:60,181,434, A>C on the plus strand (T>G on the coding strand, the complement: ANK3 is on the minus strand). VCF-style: chr10-60181434-A-C. GRCh37 (hg19) VCF-style: chr10-61941192-A-C.
Other names: c.2068-7T>G (NM_001204403.2); c.2035-7T>G (NM_001204404.2); c.2086-7T>G (NM_001320874.2).
Identifiers: ClinVar variation 2640500 (VCV002640500.25), dbSNP rs758195466, ClinGen allele CA5512930.